The following is an entry in ClinVar:

NM_000090.4(COL3A1):c.691-1G>A

Gene: COL3A1 (collagen type III alpha 1 chain; plus strand). Cytogenetic location: 2q32.2.
Variant type: single nucleotide variant.
Coding change: c.691-1G>A on transcript NM_000090.4 (MANE Select); the canonical splice acceptor site of the intron before coding-DNA position 691, G replaced by A.
Molecular consequence: splice acceptor variant.
Genome position (GRCh38, 1-based): chr2:188,990,095, G>A. VCF-style: chr2-188990095-G-A. GRCh37 (hg19) VCF-style: chr2-189854821-G-A.
Identifiers: ClinVar variation 2178007 (VCV002178007.5), dbSNP rs2469117990, ClinGen allele CA349848941.

ClinVar aggregate classification (germline): Pathogenic. Review status: criteria provided, multiple submitters, no conflicts (2 of 4 stars). 2 submissions from 2 submitters: Pathogenic (2). Last evaluated 2025-11-18.

Conditions:
Ehlers-Danlos syndrome, type 4 (EDSVASC). Also called: Ehlers-Danlos syndrome vascular type; Ehlers Danlos syndrome, ecchymotic type; Ehlers Danlos syndrome, arterial type; Ehlers Danlos syndrome, Sack-Barabas type; Ehlers-Danlos Syndrome Type IV. Identifiers: Orphanet 286, MedGen C0268338, MONDO:0017314, OMIM 130050.
Familial aortopathy. Identifiers: MedGen CN078214.

Submissions (2):

Women's Health and Genetics/Laboratory Corporation of America, LabCorp
Classification: Pathogenic for Familial aortopathy. Last evaluated: 2025-11-18. Review status: criteria provided, single submitter. Criteria: LabCorp Variant Classification Summary - May 2015. Collection method: clinical testing. Allele origin: germline.
Comment: Variant summary: COL3A1 c.691-1G>A is located in a canonical splice-site and is predicted to affect mRNA splicing resulting in a significantly altered protein due to either exon skipping, shortening, or inclusion of intronic material. Variants that disrupt the consensus splice site are a relatively common cause of aberrant splicing and loss of COL3A1 function. Several computational tools predict a significant impact on normal splicing: Four predict the variant abolishes a 3' acceptor site. Four predict the variant creates a cryptic 3' acceptor site. However, these predictions have yet to be confirmed by functional studies. The variant was absent in 250796 control chromosomes. To our knowledge, no occurrence of c.691-1G>A in individuals affected with COL3A1-related conditions and no experimental evidence demonstrating its impact on protein function have been reported. ClinVar contains an entry for this variant (Variation ID: 2178007). Based on the evidence outlined above, the variant was classified as pathogenic.

Labcorp Genetics (formerly Invitae), Labcorp
Classification: Pathogenic for Ehlers-Danlos syndrome, type 4. Last evaluated: 2024-07-01. Review status: criteria provided, single submitter. Criteria: Invitae Variant Classification Sherloc (09022015). Collection method: clinical testing. Allele origin: germline.
Comment: This sequence change affects an acceptor splice site in intron 8 of the COL3A1 gene. It is expected to disrupt RNA splicing. Variants that disrupt the donor or acceptor splice site typically lead to a loss of protein function (PMID: 16199547), and loss-of-function variants in COL3A1 are known to be pathogenic (PMID: 24922459). This variant is not present in population databases (gnomAD no frequency). Disruption of this splice site has been observed in individuals with Ehlers-Danlos syndrome (PMID: 10923041; Invitae). ClinVar contains an entry for this variant (Variation ID: 2178007). Algorithms developed to predict the effect of sequence changes on RNA splicing suggest that this variant may disrupt the consensus splice site. For these reasons, this variant has been classified as Pathogenic.

Literature cited by the submitters: PubMed 16199547 (cited by Labcorp Genetics (formerly Invitae), Labcorp); PubMed 24922459 (cited by Labcorp Genetics (formerly Invitae), Labcorp); PubMed 10923041 (cited by Labcorp Genetics (formerly Invitae), Labcorp).